The following is an entry in ClinVar:

ClinVar aggregate classification (germline): Uncertain significance. Review status: criteria provided, multiple submitters, no conflicts (2 of 4 stars). 2 submissions from 2 submitters: Uncertain significance (2). Last evaluated 2025-03-05.

Conditions:
Cardiovascular phenotype. Identifiers: MedGen CN230736.
Long QT syndrome (LQTS). Identifiers: MedGen C0023976, MeSH D008133, MONDO:0002442. Disease mechanism: loss of function. Inheritance: Various modes of inheritance.

gnomAD v4.1: 1 of 1,612,622 alleles (0.000062%); highest among the groups gnomAD compares: Non-Finnish European, 0.000085%; no homozygotes.

Submissions (2):

Ambry Genetics
Classification: Uncertain significance for Cardiovascular phenotype. Last evaluated: 2025-03-05. Review status: criteria provided, single submitter. Criteria: Ambry Variant Classification Scheme 2023. Collection method: clinical testing. Allele origin: germline.
Comment: The p.E988* variant (also known as c.2962G>T), located in coding exon 8 of the AKAP9 gene, results from a G to T substitution at nucleotide position 2962. This changes the amino acid from a glutamic acid to a stop codon within coding exon 8. This alteration is expected to result in loss of function by premature protein truncation or nonsense-mediated mRNA decay. However, the evidence for this gene-disease relationship is limited; therefore, the clinical significance of this alteration is unclear.

Labcorp Genetics (formerly Invitae), Labcorp
Classification: Uncertain significance for Long QT syndrome. Last evaluated: 2024-05-27. Review status: criteria provided, single submitter. Criteria: Invitae Variant Classification Sherloc (09022015). Collection method: clinical testing. Allele origin: germline.
Comment: This sequence change creates a premature translational stop signal (p.Glu988*) in the AKAP9 gene. It is expected to result in an absent or disrupted protein product. However, the current clinical and genetic evidence is not sufficient to establish whether loss-of-function variants in AKAP9 cause disease. This variant is not present in population databases (gnomAD no frequency). This variant has not been reported in the literature in individuals affected with AKAP9-related conditions. In summary, the available evidence is currently insufficient to determine the role of this variant in disease. Therefore, it has been classified as a Variant of Uncertain Significance.

NM_005751.5(AKAP9):c.2962G>T (p.Glu988Ter)

Gene: AKAP9 (A-kinase anchoring protein 9; plus strand). Cytogenetic location: 7q21.2.
Variant type: single nucleotide variant.
Coding change: c.2962G>T on transcript NM_005751.5 (MANE Select); coding-DNA position 2962, G replaced by T.
Protein change: p.Glu988Ter; replaces glutamic acid 988 with a stop codon.
Molecular consequence: nonsense.
Genome position (GRCh38, 1-based): chr7:92,002,879, G>T. VCF-style: chr7-92002879-G-T. GRCh37 (hg19) VCF-style: chr7-91632193-G-T.
Other names: c.2962G>T, p.Glu988Ter (NM_147185.3); short protein forms E988*.
Identifiers: ClinVar variation 3624760 (VCV003624760.3).